The following is an entry in ClinVar:

NM_000492.4(CFTR):c.4063T>G (p.Cys1355Gly)

Gene: CFTR (CF transmembrane conductance regulator; plus strand). Cytogenetic location: 7q31.2.
Variant type: single nucleotide variant.
Coding change: c.4063T>G on transcript NM_000492.4 (MANE Select); coding-DNA position 4063, T replaced by G.
Protein change: p.Cys1355Gly; replaces cysteine 1355 with glycine.
Molecular consequence: missense variant.
Genome position (GRCh38, 1-based): chr7:117,664,787, T>G. VCF-style: chr7-117664787-T-G. GRCh37 (hg19) VCF-style: chr7-117304841-T-G.
Other names: short protein forms C1355G.
Identifiers: ClinVar variation 1737492 (VCV001737492.3), dbSNP rs753830751, ClinGen allele CA4451620.

ClinVar aggregate classification (germline): Uncertain significance (1 of 4 stars; one submission).

Conditions:
Cystic fibrosis (CF). Also called: MUCOVISCIDOSIS. Identifiers: Orphanet 586, MedGen C0010674, MONDO:0009061, OMIM 219700. Disease mechanism: loss of function.

Allele frequency attached by ClinVar (database versions not stated): ExAC 0.00001.
gnomAD v4.1: 3 of 1,614,078 alleles (0.00019%); highest among the groups gnomAD compares: Admixed American, 0.005%; no homozygotes.

Submission:

Ambry Genetics
Classification: Uncertain significance for Cystic fibrosis. Last evaluated: 2025-10-05. Review status: criteria provided, single submitter. Criteria: Ambry Variant Classification Scheme 2023. Collection method: clinical testing. Allele origin: germline.
Comment: The p.C1355G variant (also known as c.4063T>G), located in coding exon 25 of the CFTR gene, results from a T to G substitution at nucleotide position 4063. The cysteine at codon 1355 is replaced by glycine, an amino acid with highly dissimilar properties. This amino acid position is highly conserved in available vertebrate species. In addition, this alteration is predicted to be deleterious by in silico analysis. Since supporting evidence is limited at this time, the clinical significance of this alteration remains unclear.